The following is an entry in ClinVar:

NM_014946.4(SPAST):c.1729-1G>C

Gene: SPAST (spastin; plus strand). Cytogenetic location: 2p22.3.
Variant type: single nucleotide variant.
Coding change: c.1729-1G>C on transcript NM_014946.4 (MANE Select); the canonical splice acceptor site of the intron before coding-DNA position 1729, G replaced by C.
Molecular consequence: splice acceptor variant.
Genome position (GRCh38, 1-based): chr2:32,154,373, G>C. VCF-style: chr2-32154373-G-C. GRCh37 (hg19) VCF-style: chr2-32379442-G-C.
Other names: c.1633-1G>C (NM_199436.2); c.*2-1G>C (NM_001377959.1); c.1726-1G>C (NM_001363823.2); c.1630-1G>C (NM_001363875.2).
Identifiers: ClinVar variation 1177436 (VCV001177436.4), dbSNP rs1064793976, ClinGen allele CA346505493.

ClinVar aggregate classification (germline): Likely pathogenic. Review status: criteria provided, single submitter (1 of 4 stars). 2 submissions from 2 submitters: Likely pathogenic (1). 1 of the submissions does not count toward it. Last evaluated 2024-12-10.

Conditions:
Hereditary spastic paraplegia 4. Also called: Familial spastic paraplegia autosomal dominant 2; Spastic paraplegia 4, autosomal dominant; Spastic Paraplegia 4. Identifiers: Orphanet 100985, MedGen C1866855, MONDO:0008438, OMIM 182601.
Spasticity. Identifiers: MedGen C0026838, HP:0001257.

Submissions (2):

Clinical Genetics Laboratory, Skane University Hospital Lund
Classification: Likely pathogenic for Spasticity. Last evaluated: 2024-12-10. Review status: criteria provided, single submitter. Criteria: ACMG Guidelines, 2015. Collection method: clinical testing. Allele origin: germline. Affected: yes.
Comment: ACMG criteria used: PVS1_Moderate, PS4_Moderate, PM2, PP1_Moderate

Istituto Neurologico Mediterraneo, Istituto di Ricovero e Cura a Carattere Scientifico
Classification: Pathogenic for Hereditary spastic paraplegia 4. Last evaluated: 2021-07-07. Review status: no assertion criteria provided. Collection method: clinical testing. Allele origin: somatic. Inheritance: Autosomal dominant inheritance. Affected: yes. Observed: 1 variant allele, 1 heterozygote. Not counted in ClinVar's aggregate classification.